The following is an entry in ClinVar:

NM_001205293.3(CACNA1E):c.577C>T (p.Arg193Cys)

Gene: CACNA1E (calcium voltage-gated channel subunit alpha1 E; plus strand). Cytogenetic location: 1q25.3.
Variant type: single nucleotide variant.
Coding change: c.577C>T on transcript NM_001205293.3 (MANE Select); coding-DNA position 577, C replaced by T.
Protein change: p.Arg193Cys; replaces arginine 193 with cysteine.
Molecular consequence: missense variant.
Genome position (GRCh38, 1-based): chr1:181,577,830, C>T. VCF-style: chr1-181577830-C-T. GRCh37 (hg19) VCF-style: chr1-181546966-C-T.
Other names: c.577C>T, p.Arg193Cys (NM_000721.4, NM_001205294.2); short protein forms R193C.
Identifiers: ClinVar variation 2705894 (VCV002705894.3), dbSNP rs868459184, ClinGen allele CA34188136.

ClinVar aggregate classification (germline): Uncertain significance (1 of 4 stars; one submission).

Submission:

Labcorp Genetics (formerly Invitae), Labcorp
Classification: Uncertain significance. Last evaluated: 2023-12-27. Review status: criteria provided, single submitter. Criteria: Invitae Variant Classification Sherloc (09022015). Collection method: clinical testing. Allele origin: germline.
Comment: This sequence change replaces arginine, which is basic and polar, with cysteine, which is neutral and slightly polar, at codon 193 of the CACNA1E protein (p.Arg193Cys). This variant is not present in population databases (gnomAD no frequency). This variant has not been reported in the literature in individuals affected with CACNA1E-related conditions. Advanced modeling of protein sequence and biophysical properties (such as structural, functional, and spatial information, amino acid conservation, physicochemical variation, residue mobility, and thermodynamic stability) performed at Invitae indicates that this missense variant is expected to disrupt CACNA1E protein function with a positive predictive value of 80%. In summary, the available evidence is currently insufficient to determine the role of this variant in disease. Therefore, it has been classified as a Variant of Uncertain Significance.